The following is an entry in ClinVar:

NM_016507.4(CDK12):c.1169C>T (p.Pro390Leu)

Gene: CDK12 (cyclin dependent kinase 12; plus strand). Cytogenetic location: 17q12.
Variant type: single nucleotide variant.
Coding change: c.1169C>T on transcript NM_016507.4 (MANE Select); coding-DNA position 1169, C replaced by T.
Protein change: p.Pro390Leu; replaces proline 390 with leucine.
Molecular consequence: missense variant.
Genome position (GRCh38, 1-based): chr17:39,471,001, C>T. VCF-style: chr17-39471001-C-T. GRCh37 (hg19) VCF-style: chr17-37627254-C-T.
Other names: c.1169C>T, p.Pro390Leu (NM_015083.4); short protein forms P390L.
Identifiers: ClinVar variation 3999276 (VCV003999276.1).

ClinVar aggregate classification (germline): Uncertain significance (1 of 4 stars; one submission).

Submission:

Ambry Genetics
Classification: Uncertain significance. Last evaluated: 2025-03-27. Review status: criteria provided, single submitter. Criteria: Ambry Variant Classification Scheme 2023. Collection method: clinical testing. Allele origin: germline.
Comment: The p.P390L variant (also known as c.1169C>T), located in coding exon 2 of the CDK12 gene, results from a C to T substitution at nucleotide position 1169. The proline at codon 390 is replaced by leucine, an amino acid with similar properties. This amino acid position is conserved. In addition, this alteration is predicted to be tolerated by in silico analysis. Based on the available evidence, the clinical significance of this variant remains unclear.